The following is an entry in ClinVar:

NM_032043.3(BRIP1):c.1549C>T (p.Pro517Ser)

Gene: BRIP1 (BRCA1 interacting DNA helicase 1; minus strand). Cytogenetic location: 17q23.2.
Variant type: single nucleotide variant.
Coding change: c.1549C>T on transcript NM_032043.3 (MANE Select); coding-DNA position 1549, C replaced by T.
Protein change: p.Pro517Ser; replaces proline 517 with serine.
Molecular consequence: missense variant.
Genome position (GRCh38, 1-based): chr17:61,784,349, G>A on the plus strand (C>T on the coding strand, the complement: BRIP1 is on the minus strand). VCF-style: chr17-61784349-G-A. GRCh37 (hg19) VCF-style: chr17-59861710-G-A.
Other names: short protein forms P517S.
Identifiers: ClinVar variation 644330 (VCV000644330.13), dbSNP rs1603336970, ClinGen allele CA400481199.
Genomic context (GRCh38, chr17:61,784,349, plus strand): 5'-GATAGTCAAGTACCATAAAAAGTCCTTTAAGCATTATTTGAGTTGATGCACTAATAACAG[G>A]TACTTCTCTTGCCTCCTCTTTACCATAAATTGGTGAGATTTTTTCCTCTTTTTGAAGAAC-3'
Protein context (NP_114432.2, residues 507-527): IYGKEEAREV[Pro517Ser]VISASTQIML

ClinVar aggregate classification (germline): Uncertain significance. Review status: criteria provided, multiple submitters, no conflicts (2 of 4 stars). 2 submissions from 2 submitters: Uncertain significance (2). Last evaluated 2024-06-07.

Conditions:
Hereditary cancer-predisposing syndrome. Also called: Neoplastic Syndromes, Hereditary; Hereditary Cancer Syndrome; Hereditary neoplastic syndrome; Tumor predisposition. Identifiers: Orphanet 140162, MedGen C0027672, MeSH D009386, MONDO:0015356.
Familial cancer of breast. Also called: hereditary breast carcinoma; BREAST CANCER, FAMILIAL; Hereditary breast cancer. Identifiers: Orphanet 227535, MedGen C0346153, MONDO:0016419, OMIM 114480. Disease mechanism: loss of function.
Fanconi anemia complementation group J. Also called: BRIP1-Related Fanconi Anemia. Identifiers: Orphanet 84, MedGen C1836860, MONDO:0012187, OMIM 609054.

Submissions (2):

Ambry Genetics
Classification: Uncertain significance for Hereditary cancer-predisposing syndrome. Last evaluated: 2024-06-07. Review status: criteria provided, single submitter. Criteria: Ambry Variant Classification Scheme 2023. Collection method: clinical testing. Allele origin: germline.
Comment: The p.P517S variant (also known as c.1549C>T), located in coding exon 10 of the BRIP1 gene, results from a C to T substitution at nucleotide position 1549. The proline at codon 517 is replaced by serine, an amino acid with similar properties. This amino acid position is conserved. In addition, the in silico prediction for this alteration is inconclusive. Since supporting evidence is limited at this time, the clinical significance of this alteration remains unclear.

Labcorp Genetics (formerly Invitae), Labcorp
Classification: Uncertain significance for Familial cancer of breast; Fanconi anemia complementation group J. Last evaluated: 2024-02-20. Review status: criteria provided, single submitter. Criteria: Invitae Variant Classification Sherloc (09022015). Collection method: clinical testing. Allele origin: germline.
Comment: This sequence change replaces proline, which is neutral and non-polar, with serine, which is neutral and polar, at codon 517 of the BRIP1 protein (p.Pro517Ser). This variant is not present in population databases (gnomAD no frequency). This variant has not been reported in the literature in individuals affected with BRIP1-related conditions. ClinVar contains an entry for this variant (Variation ID: 644330). Advanced modeling of protein sequence and biophysical properties (such as structural, functional, and spatial information, amino acid conservation, physicochemical variation, residue mobility, and thermodynamic stability) performed at Invitae indicates that this missense variant is expected to disrupt BRIP1 protein function with a positive predictive value of 80%. In summary, the available evidence is currently insufficient to determine the role of this variant in disease. Therefore, it has been classified as a Variant of Uncertain Significance.